The following is an entry in ClinVar:

ClinVar aggregate classification (germline): Uncertain significance (1 of 4 stars; one submission).

Conditions:
Developmental and epileptic encephalopathy, 32 (DEE32). Also called: Epileptic encephalopathy, early infantile, 32. Identifiers: Orphanet 442835, MedGen C4225350, MONDO:0014607, OMIM 616366.

Submission:

Labcorp Genetics (formerly Invitae), Labcorp
Classification: Uncertain significance for Developmental and epileptic encephalopathy, 32. Last evaluated: 2025-05-01. Review status: criteria provided, single submitter. Criteria: Invitae Variant Classification Sherloc (09022015). Collection method: clinical testing. Allele origin: germline.
Comment: This sequence change replaces arginine, which is basic and polar, with proline, which is neutral and non-polar, at codon 127 of the KCNA2 protein (p.Arg127Pro). This variant is not present in population databases (gnomAD no frequency). This variant has not been reported in the literature in individuals affected with KCNA2-related conditions. Invitae Evidence Modeling of protein sequence and biophysical properties (such as structural, functional, and spatial information, amino acid conservation, physicochemical variation, residue mobility, and thermodynamic stability) indicates that this missense variant is expected to disrupt KCNA2 protein function with a positive predictive value of 95%. In summary, the available evidence is currently insufficient to determine the role of this variant in disease. Therefore, it has been classified as a Variant of Uncertain Significance.

NM_004974.4(KCNA2):c.380G>C (p.Arg127Pro)

Gene: KCNA2 (potassium voltage-gated channel subfamily A member 2; minus strand). Cytogenetic location: 1p13.3.
Variant type: single nucleotide variant.
Coding change: c.380G>C on transcript NM_004974.4 (MANE Select); coding-DNA position 380, G replaced by C.
Protein change: p.Arg127Pro; replaces arginine 127 with proline.
Molecular consequence: missense variant.
Genome position (GRCh38, 1-based): chr1:110,604,403, C>G on the plus strand (G>C on the coding strand, the complement: KCNA2 is on the minus strand). VCF-style: chr1-110604403-C-G. GRCh37 (hg19) VCF-style: chr1-111147025-C-G.
Other names: c.380G>C, p.Arg127Pro (NM_001204269.2); short protein forms R127P.
Identifiers: ClinVar variation 4709772 (VCV004709772.1).